The following is an entry in ClinVar:

ClinVar aggregate classification (germline): Uncertain significance (1 of 4 stars; one submission).

Conditions:
Hyperaldosteronism, familial, type IV (HALD4). Also called: FH IV; ALDOSTERONISM, PRIMARY, AND HYPERTENSION. Identifiers: Orphanet 642671, MedGen C4310756, MONDO:0014875, OMIM 617027.
Idiopathic generalized epilepsy. Also called: EIG; Generalised epilepsy. Identifiers: MedGen C0270850, MONDO:0005579, OMIM 600669.

Allele frequency attached by ClinVar (database versions not stated): TOPMed below 0.00001.

Submission:

Labcorp Genetics (formerly Invitae), Labcorp
Classification: Uncertain significance for Idiopathic generalized epilepsy; Hyperaldosteronism, familial, type IV. Last evaluated: 2023-02-11. Review status: criteria provided, single submitter. Criteria: Invitae Variant Classification Sherloc (09022015). Collection method: clinical testing. Allele origin: germline.
Comment: This variant is not present in population databases (gnomAD no frequency). In summary, the available evidence is currently insufficient to determine the role of this variant in disease. Therefore, it has been classified as a Variant of Uncertain Significance. Advanced modeling of protein sequence and biophysical properties (such as structural, functional, and spatial information, amino acid conservation, physicochemical variation, residue mobility, and thermodynamic stability) performed at Invitae indicates that this missense variant is expected to disrupt CACNA1H protein function. This variant has not been reported in the literature in individuals affected with CACNA1H-related conditions. This sequence change replaces histidine, which is basic and polar, with glutamine, which is neutral and polar, at codon 1065 of the CACNA1H protein (p.His1065Gln).

NM_021098.3(CACNA1H):c.3195C>G (p.His1065Gln)

Gene: CACNA1H (calcium voltage-gated channel subunit alpha1 H; plus strand). Cytogenetic location: 16p13.3.
Variant type: single nucleotide variant.
Coding change: c.3195C>G on transcript NM_021098.3 (MANE Select); coding-DNA position 3195, C replaced by G.
Protein change: p.His1065Gln; replaces histidine 1065 with glutamine.
Molecular consequence: missense variant.
Genome position (GRCh38, 1-based): chr16:1,208,053, C>G. VCF-style: chr16-1208053-C-G. GRCh37 (hg19) VCF-style: chr16-1258053-C-G.
Other names: c.3195C>G, p.His1065Gln (NM_001005407.2); short protein forms H1065Q.
Identifiers: ClinVar variation 2944186 (VCV002944186.3), dbSNP rs1968959698, ClinGen allele CA394171802.